The following is an entry in ClinVar:

NM_001040108.2(MLH3):c.2143C>T (p.Pro715Ser)

Gene: MLH3 (mutL homolog 3; minus strand). Cytogenetic location: 14q24.3.
Variant type: single nucleotide variant.
Coding change: c.2143C>T on transcript NM_001040108.2 (MANE Select); coding-DNA position 2143, C replaced by T.
Protein change: p.Pro715Ser; replaces proline 715 with serine.
Molecular consequence: missense variant.
Genome position (GRCh38, 1-based): chr14:75,047,513, G>A on the plus strand (C>T on the coding strand, the complement: MLH3 is on the minus strand). VCF-style: chr14-75047513-G-A. GRCh37 (hg19) VCF-style: chr14-75514216-G-A.
Other names: c.2143C>T, p.Pro715Ser (NM_014381.3); short protein forms P715S.
Identifiers: ClinVar variation 1786619 (VCV001786619.7), dbSNP rs2139568919, ClinGen allele CA390441516.

ClinVar aggregate classification (germline): Conflicting classifications of pathogenicity. Review status: criteria provided, conflicting classifications (1 of 4 stars). 2 submissions from 2 submitters: Uncertain significance (1); Likely benign (1). Last evaluated 2022-08-30.

Conditions:
Colorectal cancer, hereditary nonpolyposis, type 7. Identifiers: Orphanet 144, MedGen C1858380, MONDO:0013725, OMIM 614385.

Submissions (2):

Labcorp Genetics (formerly Invitae), Labcorp
Classification: Uncertain significance for Colorectal cancer, hereditary nonpolyposis, type 7. Last evaluated: 2022-08-30. Review status: criteria provided, single submitter. Criteria: Invitae Variant Classification Sherloc (09022015). Collection method: clinical testing. Allele origin: germline.
Comment: In summary, the available evidence is currently insufficient to determine the role of this variant in disease. Therefore, it has been classified as a Variant of Uncertain Significance. Algorithms developed to predict the effect of missense changes on protein structure and function output the following: SIFT: "Tolerated"; PolyPhen-2: "Benign"; Align-GVGD: "Class C0". The serine amino acid residue is found in multiple mammalian species, which suggests that this missense change does not adversely affect protein function. This variant has not been reported in the literature in individuals affected with MLH3-related conditions. This variant is not present in population databases (gnomAD no frequency). This sequence change replaces proline, which is neutral and non-polar, with serine, which is neutral and polar, at codon 715 of the MLH3 protein (p.Pro715Ser).

Ambry Genetics
Classification: Likely benign. Last evaluated: 2022-04-10. Review status: criteria provided, single submitter. Criteria: Ambry Variant Classification Scheme 2023. Collection method: clinical testing. Allele origin: germline.